The following is an entry in ClinVar:

ClinVar aggregate classification (germline): Likely benign. Review status: criteria provided, multiple submitters, no conflicts (2 of 4 stars). 2 submissions from 2 submitters: Likely benign (2). Last evaluated 2025-01-03.

Conditions:
Ehlers-Danlos syndrome, classic type, 1 (EDSCL1). Also called: EHLERS-DANLOS SYNDROME, GRAVIS TYPE; EHLERS-DANLOS SYNDROME, SEVERE CLASSIC TYPE; Ehlers-Danlos Syndrome, Classic Type, COL5A1-Related; EDS I; Ehlers-Danlos syndrome, type 1. Identifiers: MedGen C0268335, MONDO:0019567, OMIM 130000.

Allele frequency attached by ClinVar (database versions not stated): gnomAD exomes below 0.00001.
gnomAD v4.1: 4 of 1,610,162 alleles (0.00025%); highest among the groups gnomAD compares: Non-Finnish European, 0.000085%; no homozygotes.

Submissions (2):

Labcorp Genetics (formerly Invitae), Labcorp
Classification: Likely benign for Ehlers-Danlos syndrome, classic type, 1. Last evaluated: 2025-01-03. Review status: criteria provided, single submitter. Criteria: Invitae Variant Classification Sherloc (09022015). Collection method: clinical testing. Allele origin: germline.

GeneDx
Classification: Likely benign. Last evaluated: 2017-06-01. Review status: criteria provided, single submitter. Criteria: GeneDx Variant Classification (06012015). Collection method: clinical testing. Allele origin: germline. Affected: yes.
Comment: This variant is considered likely benign or benign based on one or more of the following criteria: it is a conservative change, it occurs at a poorly conserved position in the protein, it is predicted to be benign by multiple in silico algorithms, and/or has population frequency not consistent with disease.

NM_000393.5(COL5A2):c.906+12C>G

Gene: COL5A2 (collagen type V alpha 2 chain; minus strand). Cytogenetic location: 2q32.2.
Variant type: single nucleotide variant.
Coding change: c.906+12C>G on transcript NM_000393.5 (MANE Select); 12 bases into the intron after coding-DNA position 906, C replaced by G.
Molecular consequence: intron variant.
Genome position (GRCh38, 1-based): chr2:189,080,978, G>C on the plus strand (C>G on the coding strand, the complement: COL5A2 is on the minus strand). VCF-style: chr2-189080978-G-C. GRCh37 (hg19) VCF-style: chr2-189945704-G-C.
Identifiers: ClinVar variation 384448 (VCV000384448.9), dbSNP rs1057521955, ClinGen allele CA16604084.
Genomic context (GRCh38, chr2:189,080,978, plus strand): 5'-TGAAGGTAAATCTCCCCAGAGCCTGTTCACTAAACCACAGTATCTGAGAGGATTACAATA[G>C]ATTGAACTTACTCGGTGACCCTTCAGACCTGGAAGACCAGGAGCCCCAGGAAATCCACGA-3'